The following is an entry in ClinVar:

ClinVar aggregate classification (germline): Uncertain significance. Review status: criteria provided, multiple submitters, no conflicts (2 of 4 stars). 4 submissions from 4 submitters: Uncertain significance (4). Last evaluated 2026-03-03.

Conditions:
Autosomal recessive distal spinal muscular atrophy 2. Also called: NEURONOPATHY, DISTAL HEREDITARY MOTOR, JERASH TYPE; NEUROPATHY, DISTAL HEREDITARY MOTOR, JERASH TYPE; NEUROPATHY, DISTAL HEREDITARY MOTOR, AUTOSOMAL RECESSIVE 2; Hereditary motor neuropathy, Jerash type; Motor neuropathy, distal, Jerash type; SPINAL MUSCULAR ATROPHY, JERASH TYPE. Identifiers: Orphanet 139552, MedGen C1854023, MONDO:0011585, OMIM 605726.
Amyotrophic lateral sclerosis type 16. Also called: AMYOTROPHIC LATERAL SCLEROSIS 16, JUVENILE. Identifiers: Orphanet 300605, MedGen C3280587, MONDO:0013715, OMIM 614373.
SIGMAR1-related disorder. Also called: SIGMAR1-related condition.
Inborn genetic diseases. Identifiers: MedGen C0950123, MeSH D030342.

Allele frequency attached by ClinVar (database versions not stated): gnomAD exomes 0.00005 and 0.00007; ExAC 0.00011; gnomAD 0.00008; TOPMed 0.00009; ESP Exome Variant Server 0.00008.
gnomAD v4.1: 82 of 1,601,932 alleles (0.0051%); highest among the groups gnomAD compares: Admixed American, 0.0051%; no homozygotes.

Submissions (4):

GeneDx
Classification: Uncertain significance. Last evaluated: 2026-03-03. Review status: criteria provided, single submitter. Criteria: GeneDx Variant Classification Process June 2021. Collection method: clinical testing. Allele origin: germline.
Comment: In silico analysis supports that this missense variant has a deleterious effect on protein structure/function; Has not been previously published as pathogenic or benign to our knowledge; In silico analysis suggests this variant may impact gene splicing. In the absence of RNA/functional studies, the actual effect of this sequence change is unknown.; This variant is associated with the following publications: (PMID: 31324122)

PreventionGenetics, part of Exact Sciences
Classification: Uncertain significance for SIGMAR1-related condition. Last evaluated: 2025-05-01. Review status: criteria provided, single submitter. Criteria: ACMG Guidelines, 2015. Collection method: clinical testing. Allele origin: germline.
Comment: The SIGMAR1 c.1A>G variant is predicted to disrupt the translation initiation site (p.Met1?). To our knowledge, this variant has not been reported in the literature. This variant is reported in 0.070% of alleles in individuals of Ashkenazi Jewish descent in gnomAD. At this time, the clinical significance of this variant is uncertain due to the absence of conclusive functional and genetic evidence.

Labcorp Genetics (formerly Invitae), Labcorp
Classification: Uncertain significance for Autosomal recessive distal spinal muscular atrophy 2; Amyotrophic lateral sclerosis type 16. Last evaluated: 2023-08-30. Review status: criteria provided, single submitter. Criteria: Invitae Variant Classification Sherloc (09022015). Collection method: clinical testing. Allele origin: germline.
Comment: In summary, the available evidence is currently insufficient to determine the role of this variant in disease. Therefore, it has been classified as a Variant of Uncertain Significance. Algorithms developed to predict the effect of sequence changes on RNA splicing suggest that this variant may disrupt the consensus splice site. An algorithm developed to predict the effect of missense changes on protein structure and function (PolyPhen-2) suggests that this variant is likely to be disruptive. ClinVar contains an entry for this variant (Variation ID: 845864). This variant has not been reported in the literature in individuals affected with SIGMAR1-related conditions. This variant is present in population databases (rs372751122, gnomAD 0.07%). This sequence change replaces asparagine, which is neutral and polar, with serine, which is neutral and polar, at codon 85 of the SIGMAR1 protein (p.Asn85Ser).

Ambry Genetics
Classification: Uncertain significance for Inborn genetic diseases. Last evaluated: 2023-08-19. Review status: criteria provided, single submitter. Criteria: Ambry Variant Classification Scheme 2023. Collection method: clinical testing. Allele origin: germline.

NM_005866.4(SIGMAR1):c.254A>G (p.Asn85Ser)

Gene: SIGMAR1 (sigma receptor chaperone 1; minus strand). Cytogenetic location: 9p13.3.
Variant type: single nucleotide variant.
Coding change: c.254A>G on transcript NM_005866.4 (MANE Select); coding-DNA position 254, A replaced by G.
Protein change: p.Asn85Ser; replaces asparagine 85 with serine.
Molecular consequence: missense variant. On other transcripts: initiator codon variant (1).
Genome position (GRCh38, 1-based): chr9:34,637,318, T>C on the plus strand (A>G on the coding strand, the complement: SIGMAR1 is on the minus strand). VCF-style: chr9-34637318-T-C. GRCh37 (hg19) VCF-style: chr9-34637315-T-C.
Other names: c.254A>G, p.Asn85Ser (NM_001282205.2, NM_001282208.2, NM_001282209.2 and 1 more transcripts); c.1A>G, p.Met1Val (NM_001282206.2); c.194A>G, p.Asn65Ser (NM_001282207.2); c.1A>G (NM_001282206.1); short protein forms M1V, N65S, N85S.
Identifiers: ClinVar variation 845864 (VCV000845864.9), dbSNP rs372751122, ClinGen allele CA5035915.
Genomic context (GRCh38, chr9:34,637,318, plus strand): 5'-AGCACATACTCGGACAGCGAGGCGTGCAGAAGGCACATGGCGCCCATCCAGCCACCCGCA[T>C]TCACGAACACCCACTGCAGCTCCTCGTCGGGCAGCACGTGGCCTGGGTGCAGCCGCCGCA-3'
Protein context (NP_005857.1, residues 75-95): PDEELQWVFV[Asn85Ser]AGGWMGAMCL